The following is an entry in ClinVar:

NM_015047.3(EMC1):c.617A>G (p.Asp206Gly)

Gene: EMC1 (ER membrane protein complex subunit 1; minus strand). Cytogenetic location: 1p36.13.
Variant type: single nucleotide variant.
Coding change: c.617A>G on transcript NM_015047.3 (MANE Select); coding-DNA position 617, A replaced by G.
Protein change: p.Asp206Gly; replaces aspartic acid 206 with glycine.
Molecular consequence: missense variant.
Genome position (GRCh38, 1-based): chr1:19,241,035, T>C on the plus strand (A>G on the coding strand, the complement: EMC1 is on the minus strand). VCF-style: chr1-19241035-T-C. GRCh37 (hg19) VCF-style: chr1-19567529-T-C.
Other names: c.617A>G, p.Asp206Gly (NM_001271427.2, NM_001271428.2, NM_001375820.1 and 1 more transcripts); c.551A>G, p.Asp184Gly (NM_001271429.2); short protein forms D206G, D184G.
Identifiers: ClinVar variation 3671386 (VCV003671386.2).

ClinVar aggregate classification (germline): Uncertain significance (1 of 4 stars; one submission).

gnomAD v4.1: 4 of 1,614,126 alleles (0.00025%); highest among the groups gnomAD compares: Middle Eastern, 0.033%; no homozygotes.

Submission:

Labcorp Genetics (formerly Invitae), Labcorp
Classification: Uncertain significance. Last evaluated: 2024-06-10. Review status: criteria provided, single submitter. Criteria: Invitae Variant Classification Sherloc (09022015). Collection method: clinical testing. Allele origin: germline.
Comment: This sequence change replaces aspartic acid, which is acidic and polar, with glycine, which is neutral and non-polar, at codon 206 of the EMC1 protein (p.Asp206Gly). This variant is present in population databases (rs748111037, gnomAD 0.002%). This variant has not been reported in the literature in individuals affected with EMC1-related conditions. Advanced modeling of protein sequence and biophysical properties (such as structural, functional, and spatial information, amino acid conservation, physicochemical variation, residue mobility, and thermodynamic stability) performed at Invitae indicates that this missense variant is expected to disrupt EMC1 protein function with a positive predictive value of 80%. In summary, the available evidence is currently insufficient to determine the role of this variant in disease. Therefore, it has been classified as a Variant of Uncertain Significance.